The following is an entry in ClinVar:

ClinVar aggregate classification (germline): Uncertain significance. Review status: criteria provided, multiple submitters, no conflicts (2 of 4 stars). 4 submissions from 3 submitters: Uncertain significance (4). Last evaluated 2025-08-14.

Conditions:
Leber congenital amaurosis 11 (LCA11). Identifiers: Orphanet 65, MedGen C1840284, MONDO:0013454, OMIM 613837.
Inborn genetic diseases. Identifiers: MedGen C0950123, MeSH D030342.
Retinitis pigmentosa (RP). Identifiers: Orphanet 791, MedGen C0035334, MeSH D012174, MONDO:0019200, OMIM 268000. Inheritance: Autosomal dominant, autosomal recessive and X linked inheritance.

Allele frequency attached by ClinVar (database versions not stated): gnomAD exomes 0.00004 and 0.00001; ExAC 0.00002; gnomAD 0.00002 and 0.00003; TOPMed 0.00003.

Submissions (4):

Ambry Genetics
Classification: Uncertain significance for Inborn genetic diseases. Last evaluated: 2025-08-14. Review status: criteria provided, single submitter. Criteria: Ambry Variant Classification Scheme 2023. Collection method: clinical testing. Allele origin: germline.

Labcorp Genetics (formerly Invitae), Labcorp
Classification: Uncertain significance. Last evaluated: 2024-10-22. Review status: criteria provided, single submitter. Criteria: Invitae Variant Classification Sherloc (09022015). Collection method: clinical testing. Allele origin: germline.
Comment: This sequence change replaces arginine, which is basic and polar, with glutamine, which is neutral and polar, at codon 246 of the IMPDH1 protein (p.Arg246Gln). This variant is present in population databases (rs201071873, gnomAD 0.007%). This variant has not been reported in the literature in individuals affected with IMPDH1-related conditions. ClinVar contains an entry for this variant (Variation ID: 358879). An algorithm developed to predict the effect of missense changes on protein structure and function (PolyPhen-2) suggests that this variant is likely to be disruptive. In summary, the available evidence is currently insufficient to determine the role of this variant in disease. Therefore, it has been classified as a Variant of Uncertain Significance.

Illumina Laboratory Services, Illumina
Classification: Uncertain significance for Retinitis pigmentosa. Last evaluated: 2018-01-12. Review status: criteria provided, single submitter. Criteria: ICSL Variant Classification Criteria 13 December 2019. Collection method: clinical testing. Allele origin: germline.

Illumina Laboratory Services, Illumina
Classification: Uncertain significance for Leber congenital amaurosis 11. Last evaluated: 2018-01-12. Review status: criteria provided, single submitter. Criteria: ICSL Variant Classification Criteria 13 December 2019. Collection method: clinical testing. Allele origin: germline.

NM_000883.4(IMPDH1):c.737G>A (p.Arg246Gln)

Gene: IMPDH1 (inosine monophosphate dehydrogenase 1; minus strand). Cytogenetic location: 7q32.1.
Variant type: single nucleotide variant.
Coding change: c.737G>A on transcript NM_000883.4 (MANE Select); coding-DNA position 737, G replaced by A.
Protein change: p.Arg246Gln; replaces arginine 246 with glutamine.
Molecular consequence: missense variant.
Genome position (GRCh38, 1-based): chr7:128,400,382, C>T on the plus strand (G>A on the coding strand, the complement: IMPDH1 is on the minus strand). VCF-style: chr7-128400382-C-T. GRCh37 (hg19) VCF-style: chr7-128040436-C-T.
Other names: c.707G>A, p.Arg236Gln (NM_001102605.2); c.482G>A, p.Arg161Gln (NM_001142573.2); c.467G>A, p.Arg156Gln (NM_001142574.2); c.407G>A, p.Arg136Gln (NM_001142575.2); c.638G>A, p.Arg213Gln (NM_001142576.2); c.530G>A, p.Arg177Gln (NM_001304521.2); c.629G>A, p.Arg210Gln (NM_183243.3); short protein forms R246Q, R177Q, R236Q, R161Q, R213Q, R156Q, R136Q, R210Q.
Identifiers: ClinVar variation 358879 (VCV000358879.9), dbSNP rs201071873, ClinGen allele CA4471070.